The following is an entry in ClinVar:

NM_015001.3(SPEN):c.3271_3272delinsGC (p.Leu1091Ala)

Gene: SPEN (spen family transcriptional repressor; plus strand). Cytogenetic location: 1p36.13.
Variant type: Indel.
Coding change: c.3271_3272delinsGC on transcript NM_015001.3 (MANE Select); coding-DNA positions 3271 to 3272, CT replaced by GC.
Protein change: p.Leu1091Ala; replaces leucine 1091 with alanine.
Molecular consequence: missense variant.
Genome position (GRCh38, 1-based): chr1:15,929,511-15,929,512, CT replaced by GC. VCF-style: chr1-15929511-CT-GC. GRCh37 (hg19) VCF-style: chr1-16256006-CT-GC.
Other names: short protein forms L1091A.
Identifiers: ClinVar variation 4874422 (VCV004874422.2).

ClinVar aggregate classification (germline): Benign (1 of 4 stars; one submission).

Submission:

CeGaT Center for Human Genetics Tuebingen
Classification: Benign. Last evaluated: 2026-06-01. Review status: criteria provided, single submitter. Criteria: CeGaT Center For Human Genetics Tuebingen Variant Classification Criteria Version 2. Collection method: clinical testing. Allele origin: germline. Affected: yes. Observed: 1 variant allele.
Comment: SPEN: BS1, BS2